The following is an entry in ClinVar:

ClinVar aggregate classification (germline): Uncertain significance. Review status: criteria provided, single submitter (1 of 4 stars). 2 submissions from 2 submitters: Uncertain significance (1). 1 of the submissions does not count toward it. Last evaluated 2023-04-26.

Conditions:
Inborn genetic diseases. Identifiers: MedGen C0950123, MeSH D030342.
AVPR2-related disorder. Also called: AVPR2-related condition.

Allele frequency attached by ClinVar (database versions not stated): ExAC 0.00001; gnomAD exomes 0.00002; TOPMed 0.00002; gnomAD 0.00003.
gnomAD v4.1: 19 of 1,203,968 alleles (0.0016%); highest among the groups gnomAD compares: Admixed American, 0.0022%; no homozygotes.

Submissions (2):

Ambry Genetics
Classification: Uncertain significance for Inborn genetic diseases. Last evaluated: 2023-04-26. Review status: criteria provided, single submitter. Criteria: Ambry Variant Classification Scheme 2023. Collection method: clinical testing. Allele origin: germline.

PreventionGenetics, part of Exact Sciences
Classification: Uncertain significance for AVPR2-related condition. Last evaluated: 2024-09-26. Review status: no assertion criteria provided. Collection method: clinical testing. Allele origin: germline. Not counted in ClinVar's aggregate classification.
Comment: The AVPR2 c.451G>C variant is predicted to result in the amino acid substitution p.Gly151Arg. To our knowledge, this variant has not been reported in the literature. This variant is reported in 0.0025% of alleles in individuals of European (Non-Finnish) descent in gnomAD. At this time, the clinical significance of this variant is uncertain due to the absence of conclusive functional and genetic evidence.

NM_000054.7(AVPR2):c.451G>C (p.Gly151Arg)

Gene: AVPR2 (arginine vasopressin receptor 2; plus strand). Cytogenetic location: Xq28.
Variant type: single nucleotide variant.
Coding change: c.451G>C on transcript NM_000054.7 (MANE Select); coding-DNA position 451, G replaced by C.
Protein change: p.Gly151Arg; replaces glycine 151 with arginine.
Molecular consequence: missense variant.
Genome position (GRCh38, 1-based): chrX:153,905,957, G>C. VCF-style: chrX-153905957-G-C. GRCh37 (hg19) VCF-style: chrX-153171411-G-C.
Other names: c.451G>C, p.Gly151Arg (NM_001146151.3); short protein forms G151R.
Identifiers: ClinVar variation 2541367 (VCV002541367.3), dbSNP rs782224593, ClinGen allele CA10555007.